The following is an entry in ClinVar:

NM_001042492.3(NF1):c.3842C>T (p.Ala1281Val)

Gene: NF1 (neurofibromin 1; plus strand). Cytogenetic location: 17q11.2.
Variant type: single nucleotide variant.
Coding change: c.3842C>T on transcript NM_001042492.3 (MANE Select); coding-DNA position 3842, C replaced by T.
Protein change: p.Ala1281Val; replaces alanine 1281 with valine.
Molecular consequence: missense variant.
Genome position (GRCh38, 1-based): chr17:31,235,744, C>T. VCF-style: chr17-31235744-C-T. GRCh37 (hg19) VCF-style: chr17-29562762-C-T.
Other names: c.3842C>T, p.Ala1281Val (NM_000267.4); short protein forms A1281V.
Identifiers: ClinVar variation 3237754 (VCV003237754.1), dbSNP rs1060500341.

ClinVar aggregate classification (germline): Uncertain significance (1 of 4 stars; one submission).

Conditions:
Hereditary cancer-predisposing syndrome. Also called: Neoplastic Syndromes, Hereditary; Tumor predisposition; Hereditary neoplastic syndrome; Hereditary Cancer Syndrome. Identifiers: Orphanet 140162, MedGen C0027672, MeSH D009386, MONDO:0015356.
Cardiovascular phenotype. Identifiers: MedGen CN230736.

Submission:

Ambry Genetics
Classification: Uncertain significance for Cardiovascular phenotype; Hereditary cancer-predisposing syndrome. Last evaluated: 2023-12-20. Review status: criteria provided, single submitter. Criteria: Ambry Variant Classification Scheme 2023. Collection method: clinical testing. Allele origin: germline.
Comment: The p.A1281V variant (also known as c.3842C>T), located in coding exon 28 of the NF1 gene, results from a C to T substitution at nucleotide position 3842. The alanine at codon 1281 is replaced by valine, an amino acid with similar properties. This amino acid position is highly conserved in available vertebrate species. In addition, this alteration is predicted to be deleterious by in silico analysis. Since supporting evidence is limited at this time, the clinical significance of this alteration remains unclear.